The following is an entry in ClinVar:

NM_058216.3(RAD51C):c.741A>G (p.Pro247=)

Gene: RAD51C (RAD51 paralog C; plus strand). Cytogenetic location: 17q22.
Variant type: single nucleotide variant.
Coding change: c.741A>G on transcript NM_058216.3 (MANE Select); coding-DNA position 741, A replaced by G.
Protein change: p.Pro247=; no amino-acid change (proline 247 retained).
Molecular consequence: synonymous variant. On other transcripts: non-coding transcript variant (1).
Genome position (GRCh38, 1-based): chr17:58,709,894, A>G. VCF-style: chr17-58709894-A-G. GRCh37 (hg19) VCF-style: chr17-56787255-A-G.
Identifiers: ClinVar variation 1152998 (VCV001152998.12), dbSNP rs1010366805, ClinGen allele CA292059358.

ClinVar aggregate classification (germline): Benign/Likely benign. Review status: criteria provided, multiple submitters, no conflicts (2 of 4 stars). 3 submissions from 3 submitters: Benign (1); Likely benign (2). Last evaluated 2026-01-11.

Conditions:
Hereditary cancer-predisposing syndrome. Also called: Hereditary Cancer Syndrome; Hereditary neoplastic syndrome; Neoplastic Syndromes, Hereditary; Tumor predisposition. Identifiers: Orphanet 140162, MedGen C0027672, MeSH D009386, MONDO:0015356.
Fanconi anemia complementation group O. Also called: RAD51C-Related Fanconi Anemia. Identifiers: Orphanet 84, MedGen C3150653, MONDO:0013248, OMIM 613390.
Breast-ovarian cancer, familial, susceptibility to, 3. Also called: RAD51C-Related Breast/Ovarian Cancer. Identifiers: Orphanet 145, MedGen C3150659, MONDO:0013253, OMIM 613399.

Allele frequency attached by ClinVar (database versions not stated): gnomAD exomes below 0.00001; TOPMed below 0.00001.
gnomAD v4.1: 1 of 1,610,932 alleles (0.000062%); highest among the groups gnomAD compares: Non-Finnish European, 0.000085%; no homozygotes.

Submissions (3):

Labcorp Genetics (formerly Invitae), Labcorp
Classification: Likely benign for Fanconi anemia complementation group O. Last evaluated: 2026-01-11. Review status: criteria provided, single submitter. Criteria: Invitae Variant Classification Sherloc (09022015). Collection method: clinical testing. Allele origin: germline.

Myriad Genetics, Inc.
Classification: Benign for Breast-ovarian cancer, familial, susceptibility to, 3. Last evaluated: 2025-02-19. Review status: criteria provided, single submitter. Criteria: Myriad Autosomal Dominant, Autosomal Recessive and X-Linked Classification Criteria (2023). Collection method: clinical testing. Allele origin: unknown.
Comment: This variant is considered benign. This variant is a silent/synonymous amino acid change and it is not expected to impact splicing.

Ambry Genetics
Classification: Likely benign for Hereditary cancer-predisposing syndrome. Last evaluated: 2021-11-02. Review status: criteria provided, single submitter. Criteria: Ambry Variant Classification Scheme 2023. Collection method: clinical testing. Allele origin: germline.